The following is an entry in ClinVar:

NM_004408.4(DNM1):c.385+135T>A

Genes: DNM1 (dynamin 1; plus strand), LOC113839516 (Sharpr-MPRA regulatory region 8497; plus strand). Cytogenetic location: 9q34.11.
Variant type: single nucleotide variant.
Coding change: c.385+135T>A on transcript NM_004408.4 (MANE Select); 135 bases into the intron after coding-DNA position 385, T replaced by A.
Molecular consequence: intron variant.
Genome position (GRCh38, 1-based): chr9:128,218,866, T>A. VCF-style: chr9-128218866-T-A. GRCh37 (hg19) VCF-style: chr9-130981145-T-A.
Other names: c.385+135T>A (NM_001005336.3, NM_001288738.2, NM_001288737.2 and 1 more transcripts).
Identifiers: ClinVar variation 679299 (VCV000679299.3), dbSNP rs3003574, ClinGen allele CA12972277.

ClinVar aggregate classification (germline): Benign. Review status: criteria provided, multiple submitters, no conflicts (2 of 4 stars). 2 submissions from 2 submitters: Benign (2). Last evaluated 2024-07-15.

Allele frequency attached by ClinVar (database versions not stated): gnomAD 0.81318 and 0.81925; gnomAD exomes 0.81575; TOPMed 0.82523; 1000 Genomes Project 30x 0.87336; 1000 Genomes Project 0.87540.
gnomAD v4.1: 1,098,837 of 1,346,026 alleles (82%); highest among the groups gnomAD compares: East Asian, 100%; 450,477 homozygotes.

Submissions (2):

Unidad de Genómica Garrahan, Hospital de Pediatría Garrahan
Classification: Benign. Last evaluated: 2024-07-15. Review status: criteria provided, single submitter. Criteria: ACMG Guidelines, 2015. Collection method: clinical testing. Allele origin: germline. Affected: no. Observed: 27 variant alleles.
Comment: This variant is classified as Benign based on local population frequency. This variant was detected in 29% of patients studied in a panel designed for Epileptic and Developmental Encephalopathy and Progressive Myoclonus Epilepsy. Number of patients: 27. Only high quality variants are reported.

GeneDx
Classification: Benign. Last evaluated: 2018-06-14. Review status: criteria provided, single submitter. Criteria: GeneDx Variant Classification (06012015). Collection method: clinical testing. Allele origin: germline. Affected: yes.
Comment: This variant is considered likely benign or benign based on one or more of the following criteria: it is a conservative change, it occurs at a poorly conserved position in the protein, it is predicted to be benign by multiple in silico algorithms, and/or has population frequency not consistent with disease.